The following is an entry in ClinVar:

NM_000548.5(TSC2):c.5261T>G (p.Ile1754Ser)

Gene: TSC2 (TSC complex subunit 2; plus strand). Cytogenetic location: 16p13.3.
Variant type: single nucleotide variant.
Coding change: c.5261T>G on transcript NM_000548.5 (MANE Select); coding-DNA position 5261, T replaced by G.
Protein change: p.Ile1754Ser; replaces isoleucine 1754 with serine.
Molecular consequence: missense variant.
Genome position (GRCh38, 1-based): chr16:2,088,447, T>G. VCF-style: chr16-2088447-T-G. GRCh37 (hg19) VCF-style: chr16-2138448-T-G.
Other names: p.I1754S:ATC>AGC; c.5060T>G, p.Ile1687Ser (NM_001077183.3); c.5192T>G, p.Ile1731Ser (NM_001114382.3); c.4952T>G, p.Ile1651Ser (NM_001318827.2); c.4916T>G, p.Ile1639Ser (NM_001318829.2); c.4529T>G, p.Ile1510Ser (NM_001318831.2); c.5093T>G, p.Ile1698Ser (NM_001318832.2); c.5063T>G, p.Ile1688Ser (NM_001363528.2); and 3 more; short protein forms I1754S, I1510S, I1687S, I1710S, I1711S, I1639S, I1731S, I1688S.
Identifiers: ClinVar variation 207761 (VCV000207761.19), dbSNP rs762320484, ClinGen allele CA054821.

ClinVar aggregate classification (germline): Conflicting classifications of pathogenicity. Review status: criteria provided, conflicting classifications (1 of 4 stars). 6 submissions from 6 submitters: Uncertain significance (5); Likely benign (1). Last evaluated 2025-12-21.

Conditions:
Tuberous sclerosis 2 (TSC2). Identifiers: Orphanet 805, MedGen C1860707, MONDO:0013199, OMIM 613254.
Tuberous sclerosis syndrome (TSC). Also called: Tuberous Sclerosis Complex; Tuberous sclerosis. Identifiers: Orphanet 805, MedGen C0041341, MONDO:0001734.
Hereditary cancer-predisposing syndrome. Also called: Neoplastic Syndromes, Hereditary; Hereditary Cancer Syndrome; Tumor predisposition; Hereditary neoplastic syndrome. Identifiers: Orphanet 140162, MedGen C0027672, MeSH D009386, MONDO:0015356.

Allele frequency attached by ClinVar (database versions not stated): gnomAD exomes below 0.00001 and 0.00001; ExAC 0.00001.
gnomAD v4.1: 12 of 1,612,762 alleles (0.00074%); highest among the groups gnomAD compares: Non-Finnish European, 0.001%; no homozygotes.

Submissions (6):

Labcorp Genetics (formerly Invitae), Labcorp
Classification: Likely benign for Tuberous sclerosis 2. Last evaluated: 2025-12-21. Review status: criteria provided, single submitter. Criteria: Invitae Variant Classification Sherloc (09022015). Collection method: clinical testing. Allele origin: germline.

Quest Diagnostics Nichols Institute San Juan Capistrano
Classification: Uncertain significance. Last evaluated: 2025-03-17. Review status: criteria provided, single submitter. Criteria: Quest Diagnostics criteria. Collection method: clinical testing. Allele origin: unknown.

Ambry Genetics
Classification: Uncertain significance for Hereditary cancer-predisposing syndrome. Last evaluated: 2024-12-17. Review status: criteria provided, single submitter. Criteria: Ambry Variant Classification Scheme 2023. Collection method: clinical testing. Allele origin: germline.
Comment: The p.I1754S variant (also known as c.5261T>G), located in coding exon 41 of the TSC2 gene, results from a T to G substitution at nucleotide position 5261. The isoleucine at codon 1754 is replaced by serine, an amino acid with dissimilar properties. This variant has been detected in multiple individuals with no reported features of TSC2-associated disease (Ambry internal data).This amino acid position is not well conserved in available vertebrate species. In addition, this alteration is predicted to be deleterious by in silico analysis. Based on the available evidence, the clinical significance of this variant remains unclear.

All of Us Research Program, National Institutes of Health
Classification: Uncertain significance for Tuberous sclerosis syndrome. Last evaluated: 2024-02-22. Review status: criteria provided, single submitter. Criteria: ACMG Guidelines, 2015. Collection method: clinical testing. Allele origin: germline. Inheritance: Autosomal dominant inheritance. Observed: 1 variant allele, 1 heterozygote.
Comment: This missense variant replaces isoleucine with serine at codon 1754 of the TSC2 protein. Computational prediction is inconclusive regarding the impact of this variant on protein structure and function (internally defined REVEL score threshold 0.5 < inconclusive < 0.7, PMID: 27666373). To our knowledge, functional studies have not been reported for this variant. This variant has not been reported in individuals affected with TSC2-related disorders in the literature. This variant has been identified in 1/250182 chromosomes in the general population by the Genome Aggregation Database (gnomAD). The available evidence is insufficient to determine the role of this variant in disease conclusively. Therefore, this variant is classified as a Variant of Uncertain Significance.

This study involves interpretation of variants in research participants for the purpose of population health screening. Participant phenotype was not available at the time of variant classification. Additional details can be found in publication PMID: 35346344, PMCID: PMC8962531

Genome-Nilou Lab
Classification: Uncertain significance for Tuberous sclerosis 2. Last evaluated: 2021-11-07. Review status: criteria provided, single submitter. Criteria: ACMG Guidelines, 2015. Collection method: clinical testing. Allele origin: germline. Affected: no.

GeneDx
Classification: Uncertain significance. Last evaluated: 2013-11-06. Review status: criteria provided, single submitter. Criteria: GeneDx Variant Classification (06012015). Collection method: clinical testing. Allele origin: germline. Affected: yes.
Comment: p.Ile1754Ser (ATC>AGC): c.5261 T>G in exon 42 of the TSC2 gene (NM_000548.3)The Ile1754Ser missense change in the TSC2 gene has not been published as a mutation, nor has it been reported as a benign polymorphism to our knowledge. It was not observed in approximately 6,500 individuals of European and African American ancestry in the NHLBI Exome Sequencing Project, indicating it is not a common benign variant in these populations. This variant is a non-conservative amino acid substitution of a non-polar Isoleucine residue with a polar Serine residue; however, it alters a position in the protein that is not conserved across species. In silico analysis is inconsistent with regard to the effect this variant may have on the protein structure/function. Therefore, based on the currently available information, it is unclear whether Ile1754Ser is a disease-causing mutation or a rare benign variant. The variant is found in EPILEPSY panel(s).